The following is an entry in ClinVar:

NM_001042545.2(LTBP4):c.3040G>A (p.Glu1014Lys)

Gene: LTBP4 (latent transforming growth factor beta binding protein 4; plus strand). Cytogenetic location: 19q13.2.
Variant type: single nucleotide variant.
Coding change: c.3040G>A on transcript NM_001042545.2 (MANE Select); coding-DNA position 3040, G replaced by A.
Protein change: p.Glu1014Lys; replaces glutamic acid 1014 with lysine.
Molecular consequence: missense variant.
Genome position (GRCh38, 1-based): chr19:40,617,195, G>A. VCF-style: chr19-40617195-G-A. GRCh37 (hg19) VCF-style: chr19-41123100-G-A.
Other names: c.3241G>A, p.Glu1081Lys (NM_001042544.1); c.3130G>A, p.Glu1044Lys (NM_003573.2); short protein forms E1014K, E1044K, E1081K.
Identifiers: ClinVar variation 1265919 (VCV001265919.10), dbSNP rs541226628, ClinGen allele CA9448879.
Genomic context (GRCh38, chr19:40,617,195, plus strand): 5'-GCCCACGCCGTGTGCCAGAACCTGCCCGGCTCCTTCCAGTGCCTCTGTGACCAGGGTTAC[G>A]AGGGGGCACGGGATGGGCGTCACTGCGTGGGTACGGGACTTCAGGAGGTGGATGGGACCA-3'
Protein context (NP_001036010.1, residues 1004-1024): SFQCLCDQGY[Glu1014Lys]GARDGRHCVD

ClinVar aggregate classification (germline): Benign. Review status: criteria provided, multiple submitters, no conflicts (2 of 4 stars). 2 submissions from 2 submitters: Benign (2). Last evaluated 2026-02-01.

Allele frequency attached by ClinVar (database versions not stated): gnomAD 0.00002 and 0.00072; TOPMed 0.00014; gnomAD exomes 0.00111 and 0.00215; ExAC 0.00260; 1000 Genomes Project 0.00699; 1000 Genomes Project 30x 0.00718.
gnomAD v4.1: 1,730 of 1,613,844 alleles (0.11%); highest among the groups gnomAD compares: South Asian, 1.8%; 22 homozygotes.

Submissions (2):

Labcorp Genetics (formerly Invitae), Labcorp
Classification: Benign. Last evaluated: 2026-02-01. Review status: criteria provided, single submitter. Criteria: Invitae Variant Classification Sherloc (09022015). Collection method: clinical testing. Allele origin: germline.

GeneDx
Classification: Benign. Last evaluated: 2020-12-16. Review status: criteria provided, single submitter. Criteria: GeneDx Variant Classification Process June 2021. Collection method: clinical testing. Allele origin: germline. Affected: yes.
Comment: In silico analysis supports that this missense variant does not alter protein structure/function; Has not been previously published as pathogenic or benign to our knowledge